The following is an entry in ClinVar:

ClinVar aggregate classification (germline): Uncertain significance (1 of 4 stars; one submission).

Conditions:
Periodic fever-infantile enterocolitis-autoinflammatory syndrome. Also called: Autoinflammation with infantile enterocolitis. Identifiers: Orphanet 436166, MedGen C4015067, MONDO:0014472, OMIM 616050.
Familial cold autoinflammatory syndrome 4 (FCAS4). Identifiers: Orphanet 47045, Orphanet 576349, MedGen C4015276, MONDO:0014498, OMIM 616115.

Allele frequency attached by ClinVar (database versions not stated): ExAC 0.00001; TOPMed 0.00001; gnomAD 0.00002.
gnomAD v4.1: 3 of 1,608,944 alleles (0.00019%); highest among the groups gnomAD compares: African/African-American, 0.004%; no homozygotes.

Submission:

Labcorp Genetics (formerly Invitae), Labcorp
Classification: Uncertain significance for Periodic fever-infantile enterocolitis-autoinflammatory syndrome; Familial cold autoinflammatory syndrome 4. Last evaluated: 2023-02-02. Review status: criteria provided, single submitter. Criteria: Invitae Variant Classification Sherloc (09022015). Collection method: clinical testing. Allele origin: germline.
Comment: This sequence change replaces leucine, which is neutral and non-polar, with valine, which is neutral and non-polar, at codon 787 of the NLRC4 protein (p.Leu787Val). In summary, the available evidence is currently insufficient to determine the role of this variant in disease. Therefore, it has been classified as a Variant of Uncertain Significance. Advanced modeling of protein sequence and biophysical properties (such as structural, functional, and spatial information, amino acid conservation, physicochemical variation, residue mobility, and thermodynamic stability) performed at Invitae indicates that this missense variant is not expected to disrupt NLRC4 protein function. This variant has not been reported in the literature in individuals affected with NLRC4-related conditions. This variant is present in population databases (rs745471341, gnomAD 0.007%).

NM_001199138.2(NLRC4):c.2359C>G (p.Leu787Val)

Gene: NLRC4 (NLR family CARD domain containing 4; minus strand). Cytogenetic location: 2p22.3.
Variant type: single nucleotide variant.
Coding change: c.2359C>G on transcript NM_001199138.2 (MANE Select); coding-DNA position 2359, C replaced by G.
Protein change: p.Leu787Val; replaces leucine 787 with valine.
Molecular consequence: missense variant.
Genome position (GRCh38, 1-based): chr2:32,238,294, G>C on the plus strand (C>G on the coding strand, the complement: NLRC4 is on the minus strand). VCF-style: chr2-32238294-G-C. GRCh37 (hg19) VCF-style: chr2-32463363-G-C.
Other names: c.2359C>G, p.Leu787Val (NM_001199139.2, NM_021209.5); c.364C>G, p.Leu122Val (NM_001302504.2); short protein forms L122V, L787V.
Identifiers: ClinVar variation 2939277 (VCV002939277.3), dbSNP rs745471341, ClinGen allele CA1601807.